The following is an entry in ClinVar:

ClinVar aggregate classification (germline): Pathogenic (1 of 4 stars; one submission).

Submission:

Labcorp Genetics (formerly Invitae), Labcorp
Classification: Pathogenic. Last evaluated: 2021-12-24. Review status: criteria provided, single submitter. Criteria: Invitae Variant Classification Sherloc (09022015). Collection method: clinical testing. Allele origin: unknown.
Comment: For these reasons, this variant has been classified as Pathogenic. A similar copy number variant has been observed in individual(s) with Usher syndrome (PMID: 24944099). This variant is a gross deletion of the genomic region encompassing exon(s) 23-32 of the USH2A gene. This deletion is out-of-frame, and is expected to create a premature termination codon and result in an absent or disrupted protein product. Loss-of-function variants in USH2A are known to be pathogenic (PMID: 10729113, 10909849, 20507924, 25649381).

Literature cited by the submitters: PubMed 24944099; PubMed 10729113; PubMed 10909849; PubMed 20507924; PubMed 25649381.

NC_000001.10:g.(?_216219753)_(216262501_?)del

Gene: USH2A (usherin; minus strand). Cytogenetic location: 1q41.
Variant type: Deletion.
Identifiers: ClinVar variation 3248056 (VCV003248056.1).